The following is an entry in ClinVar:

ClinVar aggregate classification (germline): Uncertain significance. Review status: criteria provided, single submitter (1 of 4 stars). 3 submissions from 2 submitters: Uncertain significance (1). 2 of the submissions do not count toward it. Last evaluated 2023-06-28.

Allele frequency attached by ClinVar (database versions not stated): gnomAD exomes below 0.00001; TOPMed 0.00002.
gnomAD v4.1: 1 of 1,614,158 alleles (0.000062%); highest among the groups gnomAD compares: African/African-American, 0.0013%; no homozygotes.

Submissions (3):

GeneDx
Classification: Uncertain significance. Last evaluated: 2023-06-28. Review status: criteria provided, single submitter. Criteria: GeneDx Variant Classification Process June 2021. Collection method: clinical testing. Allele origin: germline. Affected: yes.
Comment: Not observed at significant frequency in large population cohorts (gnomAD); In silico analysis suggests this variant may impact gene splicing. In the absence of RNA/functional studies, the actual effect of this sequence change is unknown.; Has not been previously published as pathogenic or benign to our knowledge

Richard Lifton Laboratory, Yale University School of Medicine
Classification: Likely pathogenic. Review status: no assertion criteria provided. Collection method: not provided. Allele origin: somatic. Not counted in ClinVar's aggregate classification.
Comment: CTNNB1:p.V241V
ClinVar note: Converted during submission from probable-pathogenic to Likely pathogenic.

Richard Lifton Laboratory, Yale University School of Medicine
Classification: Likely pathogenic. Review status: flagged submission. Collection method: not provided. Allele origin: somatic. Not counted in ClinVar's aggregate classification.
ClinVar note: Converted during submission from probable-pathogenic to Likely pathogenic.
ClinVar note: Reason: This record appears to be redundant with a more recent record from the same submitter.
ClinVar note: Notes: SCV000120060 appears to be redundant with SCV000155163.

NM_001904.4(CTNNB1):c.723G>A (p.Val241=)

Genes: CTNNB1 (catenin beta 1; plus strand), LOC126806658 (BRD4-independent group 4 enhancer GRCh37_chr3:41265899-41267098; plus strand). Cytogenetic location: 3p22.1.
Variant type: single nucleotide variant.
Coding change: c.723G>A on transcript NM_001904.4 (MANE Select); coding-DNA position 723, G replaced by A.
Protein change: p.Val241=; no amino-acid change (valine 241 retained).
Molecular consequence: synonymous variant.
Genome position (GRCh38, 1-based): chr3:41,225,561, G>A. VCF-style: chr3-41225561-G-A. GRCh37 (hg19) VCF-style: chr3-41267052-G-A.
Other names: c.723G>A, p.Val241= (NM_001098209.2, NM_001098210.2); c.702G>A, p.Val234= (NM_001330729.2).
Identifiers: ClinVar variation 100837 (VCV000100837.3), dbSNP rs483352717, ClinGen allele CA229098.